The following is an entry in ClinVar:

ClinVar aggregate classification (germline): Likely benign (1 of 4 stars; one submission).

Allele frequency attached by ClinVar (database versions not stated): TOPMed 0.00261; 1000 Genomes Project 0.00280; 1000 Genomes Project 30x 0.00281; ESP Exome Variant Server 0.00384; gnomAD 0.00404; gnomAD exomes 0.00436; ExAC 0.00565.
gnomAD v4.1: 6,921 of 1,613,704 alleles (0.43%); highest among the groups gnomAD compares: Non-Finnish European, 0.44%; 41 homozygotes.

Submission:

CeGaT Center for Human Genetics Tuebingen
Classification: Likely benign. Last evaluated: 2026-08-01. Review status: criteria provided, single submitter. Criteria: CeGaT Center For Human Genetics Tuebingen Variant Classification Criteria Version 2. Collection method: clinical testing. Allele origin: germline. Affected: yes. Observed: 2 variant alleles.
Comment: RAD54L: BP4, BS2

NM_003579.4(RAD54L):c.2213G>A (p.Arg738His)

Genes: LRRC41 (leucine rich repeat containing 41; minus strand), RAD54L (RAD54 like; plus strand). Cytogenetic location: 1p34.1.
Variant type: single nucleotide variant.
Coding change: c.2213G>A on transcript NM_003579.4 (MANE Select); coding-DNA position 2213, G replaced by A.
Protein change: p.Arg738His; replaces arginine 738 with histidine.
Molecular consequence: missense variant. On other transcripts: 3 prime UTR variant (1).
Genome position (GRCh38, 1-based): chr1:46,278,251, G>A. VCF-style: chr1-46278251-G-A. GRCh37 (hg19) VCF-style: chr1-46743923-G-A.
Other names: c.*614C>T (NM_006369.5); c.2213G>A, p.Arg738His (NM_001142548.2); c.1673G>A, p.Arg558His (NM_001370766.1); short protein forms R558H, R738H.
Identifiers: ClinVar variation 2638797 (VCV002638797.24), dbSNP rs28910278, ClinGen allele CA834843.